The following is an entry in ClinVar:

NM_005120.3(MED12):c.1843A>G (p.Thr615Ala)

Gene: MED12 (mediator complex subunit 12; plus strand). Cytogenetic location: Xq13.1.
Variant type: single nucleotide variant.
Coding change: c.1843A>G on transcript NM_005120.3 (MANE Select); coding-DNA position 1843, A replaced by G.
Protein change: p.Thr615Ala; replaces threonine 615 with alanine.
Molecular consequence: missense variant.
Genome position (GRCh38, 1-based): chrX:71,124,257, A>G. VCF-style: chrX-71124257-A-G. GRCh37 (hg19) VCF-style: chrX-70344107-A-G.
Other names: short protein forms T615A.
Identifiers: ClinVar variation 2065627 (VCV002065627.4), dbSNP rs2519675376, ClinGen allele CA413509465.

ClinVar aggregate classification (germline): Uncertain significance (1 of 4 stars; one submission).

Conditions:
FG syndrome (FGS). Identifiers: MedGen C0220769, MONDO:0002010.

Submission:

Labcorp Genetics (formerly Invitae), Labcorp
Classification: Uncertain significance for FG syndrome. Last evaluated: 2024-07-16. Review status: criteria provided, single submitter. Criteria: Invitae Variant Classification Sherloc (09022015). Collection method: clinical testing. Allele origin: germline.
Comment: This sequence change replaces threonine, which is neutral and polar, with alanine, which is neutral and non-polar, at codon 615 of the MED12 protein (p.Thr615Ala). This variant is not present in population databases (gnomAD no frequency). This variant has not been reported in the literature in individuals affected with MED12-related conditions. ClinVar contains an entry for this variant (Variation ID: 2065627). Advanced modeling of protein sequence and biophysical properties (such as structural, functional, and spatial information, amino acid conservation, physicochemical variation, residue mobility, and thermodynamic stability) performed at Invitae indicates that this missense variant is not expected to disrupt MED12 protein function with a negative predictive value of 95%. In summary, the available evidence is currently insufficient to determine the role of this variant in disease. Therefore, it has been classified as a Variant of Uncertain Significance.